The following is an entry in ClinVar:

ClinVar aggregate classification (germline): Benign/Likely benign. Review status: criteria provided, multiple submitters, no conflicts (2 of 4 stars). 3 submissions from 3 submitters: Benign (1); Likely benign (2). Last evaluated 2026-07-09.

Conditions:
Rhabdoid tumor predisposition syndrome 2 (RTPS2). Identifiers: Orphanet 231108, Orphanet 69077, MedGen C2750074, MONDO:0013224, OMIM 613325.
Hereditary cancer-predisposing syndrome. Also called: Tumor predisposition; Neoplastic Syndromes, Hereditary; Hereditary Cancer Syndrome; Hereditary neoplastic syndrome. Identifiers: Orphanet 140162, MedGen C0027672, MeSH D009386, MONDO:0015356.

Submissions (3):

Myriad Genetics, Inc.
Classification: Benign for Rhabdoid tumor predisposition syndrome 2. Last evaluated: 2026-07-09. Review status: criteria provided, single submitter. Criteria: Myriad Autosomal Dominant, Autosomal Recessive and X-Linked Classification Criteria (2023). Collection method: clinical testing. Allele origin: unknown.
Comment: This variant is considered benign. This variant is a silent/synonymous amino acid change and it is not expected to impact splicing.

Labcorp Genetics (formerly Invitae), Labcorp
Classification: Likely benign for Rhabdoid tumor predisposition syndrome 2. Last evaluated: 2023-05-25. Review status: criteria provided, single submitter. Criteria: Invitae Variant Classification Sherloc (09022015). Collection method: clinical testing. Allele origin: germline.

Ambry Genetics
Classification: Likely benign for Hereditary cancer-predisposing syndrome. Last evaluated: 2018-03-17. Review status: criteria provided, single submitter. Criteria: Ambry Variant Classification Scheme 2023. Collection method: clinical testing. Allele origin: germline.

NM_003072.5(SMARCA4):c.915G>T (p.Pro305=)

Gene: SMARCA4 (SWI/SNF related BAF chromatin remodeling complex subunit ATPase 4; plus strand). Cytogenetic location: 19p13.2.
Variant type: single nucleotide variant.
Coding change: c.915G>T on transcript NM_003072.5 (MANE Select); coding-DNA position 915, G replaced by T.
Protein change: p.Pro305=; no amino-acid change (proline 305 retained).
Molecular consequence: synonymous variant. On other transcripts: non-coding transcript variant (1).
Genome position (GRCh38, 1-based): chr19:10,987,721, G>T. VCF-style: chr19-10987721-G-T. GRCh37 (hg19) VCF-style: chr19-11098397-G-T.
Other names: c.915G>T, p.Pro305= (NM_001128844.3, NM_001128845.2, NM_001128846.2 and 5 more transcripts).
Identifiers: ClinVar variation 470469 (VCV000470469.16), dbSNP rs149573400, ClinGen allele CA505489634.